The following is an entry in ClinVar:

ClinVar aggregate classification (germline): Uncertain significance. Review status: criteria provided, multiple submitters, no conflicts (2 of 4 stars). 3 submissions from 3 submitters: Uncertain significance (3). Last evaluated 2024-10-16.

Conditions:
Inborn genetic diseases. Identifiers: MedGen C0950123, MeSH D030342.
3-hydroxyisobutyryl-CoA hydrolase deficiency. Also called: VALINE METABOLIC DEFECT; Reduced circulating 3-hydroxyisobutyryl-CoA hydrolase activity; Deficiency of 3-hydroxyisobutyryl CoA hydrolase; HIBCH DEFICIENCY; METHACRYLIC ACID TOXICITY; METHACRYLIC ACIDURIA. Identifiers: Orphanet 88639, MedGen C0342738, MONDO:0009603, OMIM 250620, HP:6000215.

gnomAD v4.1: 40 of 1,611,524 alleles (0.0025%); highest among the groups gnomAD compares: South Asian, 0.038%; 2 homozygotes.

Submissions (3):

Blueprint Genetics
Classification: Uncertain significance. Last evaluated: 2024-10-16. Review status: criteria provided, single submitter. Criteria: ACMG Guidelines, 2015. Collection method: clinical testing. Allele origin: germline.

Ambry Genetics
Classification: Uncertain significance for Inborn genetic diseases. Last evaluated: 2024-09-04. Review status: criteria provided, single submitter. Criteria: Ambry Variant Classification Scheme 2023. Collection method: clinical testing. Allele origin: germline.

Labcorp Genetics (formerly Invitae), Labcorp
Classification: Uncertain significance for 3-hydroxyisobutyryl-CoA hydrolase deficiency. Last evaluated: 2022-09-27. Review status: criteria provided, single submitter. Criteria: Invitae Variant Classification Sherloc (09022015). Collection method: clinical testing. Allele origin: germline.
Comment: This variant is present in population databases (rs750337514, gnomAD 0.05%). In summary, the available evidence is currently insufficient to determine the role of this variant in disease. Therefore, it has been classified as a Variant of Uncertain Significance. Advanced modeling of protein sequence and biophysical properties (such as structural, functional, and spatial information, amino acid conservation, physicochemical variation, residue mobility, and thermodynamic stability) performed at Invitae indicates that this missense variant is not expected to disrupt HIBCH protein function. This variant has not been reported in the literature in individuals affected with HIBCH-related conditions. This sequence change replaces glycine, which is neutral and non-polar, with alanine, which is neutral and non-polar, at codon 288 of the HIBCH protein (p.Gly288Ala).

NM_014362.4(HIBCH):c.863G>C (p.Gly288Ala)

Gene: HIBCH (3-hydroxyisobutyryl-CoA hydrolase; minus strand). Cytogenetic location: 2q32.2.
Variant type: single nucleotide variant.
Coding change: c.863G>C on transcript NM_014362.4 (MANE Select); coding-DNA position 863, G replaced by C.
Protein change: p.Gly288Ala; replaces glycine 288 with alanine.
Molecular consequence: missense variant.
Genome position (GRCh38, 1-based): chr2:190,244,915, C>G on the plus strand (G>C on the coding strand, the complement: HIBCH is on the minus strand). VCF-style: chr2-190244915-C-G. GRCh37 (hg19) VCF-style: chr2-191109641-C-G.
Other names: c.863G>C (NM_014362.3); c.863G>C, p.Gly288Ala (NM_198047.3); short protein forms G288A.
Identifiers: ClinVar variation 2169137 (VCV002169137.4), dbSNP rs750337514, ClinGen allele CA2027457.